The following is an entry in ClinVar:

ClinVar aggregate classification (germline): Conflicting classifications of pathogenicity. Review status: criteria provided, conflicting classifications (1 of 4 stars). 5 submissions from 4 submitters: Uncertain significance (1); Benign (1); Likely benign (2). 1 of the submissions does not count toward it. Last evaluated 2025-07-06.

Conditions:
DYM-related disorder. Also called: DYM-related condition.
Dyggve-Melchior-Clausen syndrome (DMC). Also called: Dyggve-Melchior-Clausen disease; DMC syndrome. Identifiers: Orphanet 239, MedGen C0265286, MONDO:0009130, OMIM 223800.
Smith-McCort dysplasia 1 (SMC1). Also called: Smith-McCort dwarfism. Identifiers: MedGen C3888088, MONDO:0011814, OMIM 607326.

Allele frequency attached by ClinVar (database versions not stated): gnomAD 0.00002 and 0.00016; TOPMed 0.00009; gnomAD exomes 0.00025 and 0.00050; 1000 Genomes Project 30x 0.00031; 1000 Genomes Project 0.00040; ExAC 0.00050.
gnomAD v4.1: 406 of 1,612,172 alleles (0.025%); highest among the groups gnomAD compares: South Asian, 0.36%; 5 homozygotes.

Submissions (5):

Labcorp Genetics (formerly Invitae), Labcorp
Classification: Benign. Last evaluated: 2025-07-06. Review status: criteria provided, single submitter. Criteria: Invitae Variant Classification Sherloc (09022015). Collection method: clinical testing. Allele origin: germline.

Illumina Laboratory Services, Illumina
Classification: Likely benign for Dyggve-Melchior-Clausen syndrome. Last evaluated: 2018-01-13. Review status: criteria provided, single submitter. Criteria: ICSL Variant Classification Criteria 13 December 2019. Collection method: clinical testing. Allele origin: germline.
Comment: This variant was observed in the ICSL laboratory as part of a predisposition screen in an ostensibly healthy population. It had not been previously curated by ICSL or reported in the Human Gene Mutation Database (HGMD: prior to June 1st, 2018), and was therefore a candidate for classification through an automated scoring system. Utilizing variant allele frequency, disease prevalence and penetrance estimates, and inheritance mode, an automated score was calculated to assess if this variant is too frequent to cause the disease. Based on the score and internal cut-off values, a variant classified as likely benign is not then subjected to further curation. The score for this variant resulted in a classification of likely benign for this disease.

Illumina Laboratory Services, Illumina
Classification: Likely benign for Smith-McCort dysplasia 1. Last evaluated: 2018-01-13. Review status: criteria provided, single submitter. Criteria: ICSL Variant Classification Criteria 13 December 2019. Collection method: clinical testing. Allele origin: germline.
Comment: the same text as in the submission from Illumina Laboratory Services, Illumina above.

Eurofins Ntd Llc (ga)
Classification: Uncertain significance. Last evaluated: 2016-09-05. Review status: criteria provided, single submitter. Criteria: EGL Classification Definitions 2015. Collection method: clinical testing. Allele origin: germline. Observed: 1 variant allele, 1 heterozygote.

PreventionGenetics, part of Exact Sciences
Classification: Likely benign for DYM-related condition. Last evaluated: 2020-01-07. Review status: no assertion criteria provided. Collection method: clinical testing. Allele origin: germline. Not counted in ClinVar's aggregate classification.
Comment: This variant is classified as likely benign based on ACMG/AMP sequence variant interpretation guidelines (Richards et al. 2015 PMID: 25741868, with internal and published modifications).

NM_001353214.3(DYM):c.288-10G>A

Gene: DYM (dymeclin; minus strand). Cytogenetic location: 18q21.1.
Variant type: single nucleotide variant.
Coding change: c.288-10G>A on transcript NM_001353214.3 (MANE Select); 10 bases into the intron before coding-DNA position 288, G replaced by A.
Molecular consequence: intron variant.
Genome position (GRCh38, 1-based): chr18:49,378,710, C>T on the plus strand (G>A on the coding strand, the complement: DYM is on the minus strand). VCF-style: chr18-49378710-C-T. GRCh37 (hg19) VCF-style: chr18-46905080-C-T.
Other names: c.285-10G>A (NM_001374439.1, NM_001374429.1, NM_001353211.3 and 1 more transcripts); c.193+12883G>A (NM_001374443.1, NM_001374444.1, NM_001374442.1 and 2 more transcripts); c.288-10G>A (NM_001374436.1, NM_001374432.1, NM_001374437.1 and 12 more transcripts).
Identifiers: ClinVar variation 290755 (VCV000290755.21), dbSNP rs557407004, ClinGen allele CA8958429.